The following is an entry in ClinVar:

ClinVar aggregate classification (germline): Conflicting classifications of pathogenicity. Review status: criteria provided, conflicting classifications (1 of 4 stars). 6 submissions from 6 submitters: Uncertain significance (3); Likely benign (3). Last evaluated 2026-02-01.

Conditions:
DNAH11-related disorder. Also called: DNAH11-related condition.
Primary ciliary dyskinesia. Also called: Ciliary dyskinesia. Identifiers: Orphanet 244, MedGen C0008780, MONDO:0016575, HP:0012265.

Allele frequency attached by ClinVar (database versions not stated): gnomAD 0.00089; ESP Exome Variant Server 0.00101; TOPMed 0.00128.
gnomAD v4.1: 2,882 of 1,613,486 alleles (0.18%); highest among the groups gnomAD compares: Non-Finnish European, 0.22%; 6 homozygotes.

Submissions (6):

Labcorp Genetics (formerly Invitae), Labcorp
Classification: Likely benign for Primary ciliary dyskinesia. Last evaluated: 2026-02-01. Review status: criteria provided, single submitter. Criteria: Invitae Variant Classification Sherloc (09022015). Collection method: clinical testing. Allele origin: germline.

PreventionGenetics, part of Exact Sciences
Classification: Uncertain significance for DNAH11-related condition. Last evaluated: 2025-11-06. Review status: criteria provided, single submitter. Criteria: ACMG Guidelines, 2015. Collection method: clinical testing. Allele origin: germline.
Comment: The DNAH11 c.2783A>T variant is predicted to result in the amino acid substitution p.Asp928Val. To our knowledge, this variant has not been reported in the literature. This variant is reported in 0.16% of alleles in individuals of European (non-Finnish) descent in gnomAD, including one homozygous individual. Although we suspect that this variant may be benign, at this time, the clinical significance of this variant is uncertain due to the absence of conclusive functional and genetic evidence.

GeneDx
Classification: Uncertain significance. Last evaluated: 2025-10-30. Review status: criteria provided, single submitter. Criteria: GeneDx Variant Classification Process June 2021. Collection method: clinical testing. Allele origin: germline. Affected: yes.
Comment: Has not been previously published as pathogenic or benign to our knowledge; In silico analysis supports that this missense variant has a deleterious effect on protein structure/function

CeGaT Center for Human Genetics Tuebingen
Classification: Likely benign. Last evaluated: 2025-07-01. Review status: criteria provided, single submitter. Criteria: CeGaT Center For Human Genetics Tuebingen Variant Classification Criteria Version 2. Collection method: clinical testing. Allele origin: germline. Affected: yes. Observed: 1 variant allele.
Comment: DNAH11: BP4

Blueprint Genetics
Classification: Likely benign. Last evaluated: 2024-11-26. Review status: criteria provided, single submitter. Criteria: ACMG Guidelines, 2015. Collection method: clinical testing. Allele origin: germline.

UNC Molecular Genetics  Laboratory, University of North Carolina at Chapel Hill
Classification: Uncertain significance for Primary ciliary dyskinesia. Last evaluated: 2018-09-26. Review status: criteria provided, single submitter. Criteria: ACMG Guidelines, 2015. Collection method: clinical testing. Allele origin: germline. Affected: yes. Observed: 1 heterozygote.

NM_001277115.2(DNAH11):c.2783A>T (p.Asp928Val)

Gene: DNAH11 (dynein axonemal heavy chain 11; plus strand). Cytogenetic location: 7p15.3.
Variant type: single nucleotide variant.
Coding change: c.2783A>T on transcript NM_001277115.2 (MANE Select); coding-DNA position 2783, A replaced by T.
Protein change: p.Asp928Val; replaces aspartic acid 928 with valine.
Molecular consequence: missense variant.
Genome position (GRCh38, 1-based): chr7:21,599,902, A>T. VCF-style: chr7-21599902-A-T. GRCh37 (hg19) VCF-style: chr7-21639520-A-T.
Other names: short protein forms D928V.
Identifiers: ClinVar variation 257879 (VCV000257879.31), dbSNP rs201386161, ClinGen allele CA4179433.
Genomic context (GRCh38, chr7:21,599,902, plus strand): 5'-TAGAATTCATTGACGACATTGTGGTGGAAGGCTTTTTTCAGGCTATAATGCACGACTTAG[A>T]CTTCTTTCTGAAGAATACAGAGAAACAATTGAAACCGGCACCGTTTTTTCAAGCACAAAT-3'
Protein context (NP_001264044.1, residues 918-938): GFFQAIMHDL[Asp928Val]FFLKNTEKQL